The following is an entry in ClinVar:

NM_001010867.4(IBA57):c.801C>T (p.Ala267=)

Gene: IBA57 (iron-sulfur cluster assembly factor IBA57; plus strand). Cytogenetic location: 1q42.13.
Variant type: single nucleotide variant.
Coding change: c.801C>T on transcript NM_001010867.4 (MANE Select); coding-DNA position 801, C replaced by T.
Protein change: p.Ala267=; no amino-acid change (alanine 267 retained).
Molecular consequence: synonymous variant.
Genome position (GRCh38, 1-based): chr1:228,175,243, C>T. VCF-style: chr1-228175243-C-T. GRCh37 (hg19) VCF-style: chr1-228362944-C-T.
Other names: p.Ala267=; c.222C>T, p.Ala74= (NM_001310327.2).
Identifiers: ClinVar variation 474297 (VCV000474297.12), dbSNP rs138699407, ClinGen allele CA1431256.

ClinVar aggregate classification (germline): Likely benign. Review status: criteria provided, multiple submitters, no conflicts (2 of 4 stars). 4 submissions from 4 submitters: Likely benign (4). Last evaluated 2026-02-03.

Conditions:
Multiple mitochondrial dysfunctions syndrome 3 (MMDS3). Identifiers: Orphanet 363424, MedGen C3809165, MONDO:0014132, OMIM 615330.
Hereditary spastic paraplegia 74. Also called: Spastic paraplegia 74, autosomal recessive. Identifiers: Orphanet 468661, MedGen C5568837, MONDO:0014644, OMIM 616451.

Allele frequency attached by ClinVar (database versions not stated): gnomAD exomes 0.00008 and 0.00016; ExAC 0.00009; gnomAD 0.00012 and 0.00013; 1000 Genomes Project 30x 0.00016; 1000 Genomes Project 0.00020; ESP Exome Variant Server 0.00023; TOPMed 0.00026.
gnomAD v4.1: 262 of 1,612,864 alleles (0.016%); highest among the groups gnomAD compares: Admixed American, 0.022%; no homozygotes.

Submissions (4):

Labcorp Genetics (formerly Invitae), Labcorp
Classification: Likely benign for Multiple mitochondrial dysfunctions syndrome 3; Hereditary spastic paraplegia 74. Last evaluated: 2026-02-03. Review status: criteria provided, single submitter. Criteria: Invitae Variant Classification Sherloc (09022015). Collection method: clinical testing. Allele origin: germline.

Mayo Clinic Laboratories, Mayo Clinic
Classification: Likely benign. Last evaluated: 2025-04-08. Review status: criteria provided, single submitter. Criteria: ACMG Guidelines, 2015. Collection method: clinical testing. Allele origin: germline. Observed: 1 variant allele.
Comment: BP4, BP7

Blueprint Genetics
Classification: Likely benign. Last evaluated: 2024-07-04. Review status: criteria provided, single submitter. Criteria: ACMG Guidelines, 2015. Collection method: clinical testing. Allele origin: germline.

GeneDx
Classification: Likely benign. Last evaluated: 2017-12-15. Review status: criteria provided, single submitter. Criteria: GeneDx Variant Classification (06012015). Collection method: clinical testing. Allele origin: germline. Affected: yes.
Comment: This variant is considered likely benign or benign based on one or more of the following criteria: it is a conservative change, it occurs at a poorly conserved position in the protein, it is predicted to be benign by multiple in silico algorithms, and/or has population frequency not consistent with disease.